The following is an entry in ClinVar:

ClinVar aggregate classification (germline): Likely benign (0 of 4 stars; one submission).

Conditions:
CUL4B-related disorder. Also called: CUL4B-related condition.

Submission:

PreventionGenetics, part of Exact Sciences
Classification: Likely benign for CUL4B-related condition. Last evaluated: 2022-08-08. Review status: no assertion criteria provided. Collection method: clinical testing. Allele origin: germline.
Comment: This variant is classified as likely benign based on ACMG/AMP sequence variant interpretation guidelines (Richards et al. 2015 PMID: 25741868, with internal and published modifications).

NM_001079872.2(CUL4B):c.594C>T (p.Thr198=)

Gene: CUL4B (cullin 4B; minus strand). Cytogenetic location: Xq24.
Variant type: single nucleotide variant.
Coding change: c.594C>T on transcript NM_001079872.2 (MANE Select); coding-DNA position 594, C replaced by T.
Protein change: p.Thr198=; no amino-acid change (threonine 198 retained).
Molecular consequence: synonymous variant.
Genome position (GRCh38, 1-based): chrX:120,558,002, G>A on the plus strand (C>T on the coding strand, the complement: CUL4B is on the minus strand). VCF-style: chrX-120558002-G-A. GRCh37 (hg19) VCF-style: chrX-119691857-G-A.
Other names: c.609C>T, p.Thr203= (NM_001330624.2); c.60C>T, p.Thr20= (NM_001369145.1); c.648C>T, p.Thr216= (NM_003588.4).
Identifiers: ClinVar variation 3354570 (VCV003354570.1).